The following is an entry in ClinVar:

NM_033056.4(PCDH15):c.5726G>A (p.Arg1909His)

Gene: PCDH15 (protocadherin related 15; minus strand). Cytogenetic location: 10q21.1.
Variant type: single nucleotide variant.
Coding change: c.5726G>A on transcript NM_033056.4 (MANE Plus Clinical); coding-DNA position 5726, G replaced by A.
Protein change: p.Arg1909His; replaces arginine 1909 with histidine.
Molecular consequence: missense variant. On other transcripts: intron variant (8).
Genome position (GRCh38, 1-based): chr10:53,822,000, C>T on the plus strand (G>A on the coding strand, the complement: PCDH15 is on the minus strand). VCF-style: chr10-53822000-C-T. GRCh37 (hg19) VCF-style: chr10-55581760-C-T.
Other names: c.5666G>A, p.Arg1889His (NM_001142768.2); c.5657G>A, p.Arg1886His (NM_001142773.2); c.5660G>A, p.Arg1887His (NM_001354404.2); c.4367+5393G>A (NM_001354420.2); c.4368-3987G>A (NM_001354429.2); c.4368-1770G>A (NM_001384140.1); c.4373+3136G>A (NM_001142772.2, NM_001142770.3); c.4388+3136G>A (NM_001142771.2); and 7 more; short protein forms R1909H, R1840H, R1869H, R1911H, R1916H, R1886H, R1887H, R1889H.
Identifiers: ClinVar variation 46508 (VCV000046508.18), dbSNP rs145851144, ClinGen allele CA138489.

ClinVar aggregate classification (germline): Conflicting classifications of pathogenicity. Review status: criteria provided, conflicting classifications (1 of 4 stars). 7 submissions from 7 submitters: Uncertain significance (3); Likely benign (2). 2 of the submissions do not count toward it. Last evaluated 2026-07-13.

Conditions:
PCDH15-related disorder. Also called: PCDH15-related disorders; PCDH15-related condition.
Usher syndrome type 1F (USH1F). Also called: USHER SYNDROME, TYPE IF. Identifiers: Orphanet 231169, Orphanet 886, MedGen C1865885, MONDO:0011186, OMIM 602083.

Allele frequency attached by ClinVar (database versions not stated): gnomAD 0.00010; TOPMed 0.00014; ESP Exome Variant Server 0.00015.
gnomAD v4.1: 208 of 1,613,720 alleles (0.013%); highest among the groups gnomAD compares: Middle Eastern, 0.099%; no homozygotes.

Submissions (7):

PreventionGenetics, part of Exact Sciences
Classification: Uncertain significance for PCDH15-related condition. Last evaluated: 2026-07-13. Review status: criteria provided, single submitter. Criteria: ACMG Guidelines, 2015. Collection method: clinical testing. Allele origin: germline.
Comment: The PCDH15 c.5726G>A variant is predicted to result in the amino acid substitution p.Arg1909His. This variant has been reported in an individual from a hearing loss cohort (referred to as c.5732G>A, p.Arg1911His on alternate transcript NM_001142764 in Sommen et al. 2016. PubMed ID: 27068579). This variant is reported in 0.054% of alleles in individuals of Latino descent in gnomAD, which is likely too frequent to be a primary cause of disease. Although we suspect this variant may be benign, at this time, the clinical significance of this variant is uncertain due to the absence of conclusive functional and genetic evidence.

Labcorp Genetics (formerly Invitae), Labcorp
Classification: Likely benign. Last evaluated: 2026-01-20. Review status: criteria provided, single submitter. Criteria: Invitae Variant Classification Sherloc (09022015). Collection method: clinical testing. Allele origin: germline.

GeneDx
Classification: Uncertain significance. Last evaluated: 2025-01-24. Review status: criteria provided, single submitter. Criteria: GeneDx Variant Classification Process June 2021. Collection method: clinical testing. Allele origin: germline. Affected: yes.
Comment: Reported in published literature (as R1889H using alternate nomenclature) as a single heterozygous variant in a patient with retinitis pigmentosa who had a different suggested genetic etiology for the phenotype (PMID: 25692139); In silico analysis indicates that this missense variant does not alter protein structure/function; This variant is associated with the following publications: (PMID: 25692139)

Blueprint Genetics
Classification: Likely benign. Last evaluated: 2024-11-26. Review status: criteria provided, single submitter. Criteria: ACMG Guidelines, 2015. Collection method: clinical testing. Allele origin: germline.

Laboratory for Molecular Medicine, Mass General Brigham Personalized Medicine
Classification: Uncertain significance. Last evaluated: 2016-03-14. Review status: criteria provided, single submitter. Criteria: LMM Criteria. Collection method: clinical testing. Allele origin: germline. Inheritance: Autosomal recessive inheritance. Observed: 2 variant alleles.
Comment: Variant classified as Uncertain Significance - Favor Benign. This variant has also been i dentified in 14/121438 chromosomes by the Exome Aggregation Consortium (ExAC; dbSNP rs145851144). Computational prediction tools and conservation analyses suggest that the p.Arg1909His variant may not impact the protein, though this information is not predictive enough to rule out pathog enicity. In summary, while the clinical significance of the p.Arg1909His variant is uncertain, these data suggest that it is more likely to be benign.

Natera, Inc.
Classification: Uncertain significance for Usher syndrome type 1F. Last evaluated: 2020-02-03. Review status: no assertion criteria provided. Collection method: clinical testing. Allele origin: germline. Not counted in ClinVar's aggregate classification.

Counsyl
Classification: Uncertain significance for Usher syndrome type 1F. Last evaluated: 2018-01-08. Review status: no assertion criteria provided. Collection method: clinical testing. Allele origin: unknown. Not counted in ClinVar's aggregate classification.

Literature cited by the submitters: PubMed 27068579 (cited by Counsyl).